The following is an entry in ClinVar:

ClinVar aggregate classification (germline): Pathogenic. Review status: criteria provided, multiple submitters, no conflicts (2 of 4 stars). 2 submissions from 2 submitters: Pathogenic (2). Last evaluated 2022-01-06.

Conditions:
Hereditary cancer-predisposing syndrome. Also called: Neoplastic Syndromes, Hereditary; Hereditary Cancer Syndrome; Hereditary neoplastic syndrome; Tumor predisposition. Identifiers: Orphanet 140162, MedGen C0027672, MeSH D009386, MONDO:0015356.
Hereditary breast ovarian cancer syndrome. Also called: Hereditary breast and ovarian cancer syndrome (HBOC); Hereditary breast and ovarian cancer syndrome; Breast and ovarian cancer; Hereditary breast and/or ovarian cancer syndrome; Hereditary breast and ovarian cancer; BRCA1- and BRCA2-Associated Hereditary Breast and Ovarian Cancer. Identifiers: Orphanet 145, MedGen C0677776, MeSH D061325, MONDO:0003582. Disease mechanism: loss of function.

Submissions (2):

Labcorp Genetics (formerly Invitae), Labcorp
Classification: Pathogenic for Hereditary breast ovarian cancer syndrome. Last evaluated: 2022-01-06. Review status: criteria provided, single submitter. Criteria: Invitae Variant Classification Sherloc (09022015). Collection method: clinical testing. Allele origin: germline.
Comment: For these reasons, this variant has been classified as Pathogenic. ClinVar contains an entry for this variant (Variation ID: 462289). This premature translational stop signal has been observed in individual(s) with breast cancer (PMID: 30875412). This variant is not present in population databases (gnomAD no frequency). This sequence change creates a premature translational stop signal (p.Gln1063Argfs*4) in the BRCA2 gene. It is expected to result in an absent or disrupted protein product. Loss-of-function variants in BRCA2 are known to be pathogenic (PMID: 20104584).

Ambry Genetics
Classification: Pathogenic for Hereditary cancer-predisposing syndrome. Last evaluated: 2017-08-10. Review status: criteria provided, single submitter. Criteria: Ambry Variant Classification Scheme 2023. Collection method: clinical testing. Allele origin: germline.
Comment: The c.3187_3188insG pathogenic mutation, located in coding exon 10 of the BRCA2 gene, results from an insertion of one nucleotide at position 3187, causing a translational frameshift with a predicted alternate stop codon (p.Q1063Rfs*4). This alteration is expected to result in loss of function by premature protein truncation or nonsense-mediated mRNA decay. As such, this alteration is interpreted as a disease-causing mutation.

Literature cited by the submitters: PubMed 30875412 (cited by Labcorp Genetics (formerly Invitae), Labcorp); PubMed 20104584 (cited by Labcorp Genetics (formerly Invitae), Labcorp).

NM_000059.4(BRCA2):c.3187_3188insG (p.Gln1063fs)

Gene: BRCA2 (BRCA2 DNA repair associated; plus strand). Cytogenetic location: 13q13.1.
Variant type: Insertion.
Coding change: c.3187_3188insG on transcript NM_000059.4 (MANE Select); coding-DNA positions 3187 to 3188, G inserted.
Protein change: p.Gln1063fs; shifts the reading frame from glutamine 1063.
Molecular consequence: frameshift variant.
Genome position: GRCh38 VCF-style: chr13-32337542-C-CG. GRCh37 (hg19) VCF-style: chr13-32911679-C-CG.
Other names: short protein forms Q1063fs.
Identifiers: ClinVar variation 462289 (VCV000462289.13), dbSNP rs1555283086, ClinGen allele CA658656405.